The following is an entry in ClinVar:

ClinVar aggregate classification (germline): Pathogenic (1 of 4 stars; one submission).

Submission:

Labcorp Genetics (formerly Invitae), Labcorp
Classification: Pathogenic. Last evaluated: 2024-09-11. Review status: criteria provided, single submitter. Criteria: Invitae Variant Classification Sherloc (09022015). Collection method: clinical testing. Allele origin: germline.
Comment: This sequence change creates a premature translational stop signal (p.Asn675Ilefs*16) in the EPHB4 gene. It is expected to result in an absent or disrupted protein product. Loss-of-function variants in EPHB4 are known to be pathogenic (PMID: 28687708). This variant is not present in population databases (gnomAD no frequency). This variant has not been reported in the literature in individuals affected with EPHB4-related conditions. For these reasons, this variant has been classified as Pathogenic.

Literature cited by the submitters: PubMed 28687708.

NM_004444.5(EPHB4):c.2022del (p.Asn675fs)

Gene: EPHB4 (EPH receptor B4; minus strand). Cytogenetic location: 7q22.1.
Variant type: Deletion.
Coding change: c.2022del on transcript NM_004444.5 (MANE Select); coding-DNA position 2022, one base deleted (C; older notation c.2022delC).
Protein change: p.Asn675fs; shifts the reading frame from asparagine 675.
Molecular consequence: frameshift variant.
Genome position (GRCh38, 1-based): chr7:100,812,843, G deleted on the plus strand (C on the coding strand, the reverse complement: EPHB4 is on the minus strand); the first of 4 consecutive G bases (chr7:100,812,843-100,812,846); deleting any one gives the same sequence. VCF-style (leftmost placement, unchanged base first): chr7-100812842-TG-T. GRCh37 (hg19) VCF-style: chr7-100410464-TG-T.
Other names: short protein forms N675fs.
Identifiers: ClinVar variation 3704568 (VCV003704568.2).